The following is an entry in ClinVar:

NM_014244.5(ADAMTS2):c.17_18insTATAAGAGACAGT (p.Ala7fs)

Gene: ADAMTS2 (ADAM metallopeptidase with thrombospondin type 1 motif 2; minus strand). Cytogenetic location: 5q35.3.
Variant type: Insertion.
Coding change: c.17_18insTATAAGAGACAGT on transcript NM_014244.5 (MANE Select); coding-DNA positions 17 to 18, TATAAGAGACAGT inserted.
Protein change: p.Ala7fs; shifts the reading frame from alanine 7.
Molecular consequence: frameshift variant.
Genome position: GRCh38 VCF-style: chr5-179345311-T-TACTGTCTCTTATA. GRCh37 (hg19) VCF-style: chr5-178772312-T-TACTGTCTCTTATA.
Other names: c.17_18insTATAAGAGACAGT, p.Ala7fs (NM_021599.4); short protein forms A7fs.
Identifiers: ClinVar variation 5016364 (VCV005016364.1).

ClinVar aggregate classification (germline): Pathogenic (1 of 4 stars; one submission).

Conditions:
Ehlers-Danlos syndrome, dermatosparaxis type. Also called: EDS VIIC; Dermatosparaxis; Ehlers-Danlos syndrome, type VII, autosomal recessive. Identifiers: Orphanet 1901, MedGen C2700425, MONDO:0009161, OMIM 225410.

Submission:

Myriad Genetics, Inc.
Classification: Pathogenic for Ehlers-Danlos syndrome, dermatosparaxis type. Last evaluated: 2024-05-14. Review status: criteria provided, single submitter. Criteria: Myriad Autosomal Dominant, Autosomal Recessive and X-Linked Classification Criteria (2023). Collection method: clinical testing. Allele origin: unknown.
Comment: NM_014244.4(ADAMTS2):c.17_18ins13(A7Ifs*63) is expected to be pathogenic in the context of Ehlers-Danlos syndrome, ADAMTS2-related. This variant is predicted to lead to an abnormal or absent protein product due to the creation of a premature termination codon in ADAMTS2, a gene where loss-of-function variants are known to be pathogenic. Please note: this variant was assessed in the context of healthy population screening.